The following is an entry in ClinVar:

ClinVar aggregate classification (germline): Conflicting classifications of pathogenicity. Review status: criteria provided, conflicting classifications (1 of 4 stars). 2 submissions from 2 submitters: Uncertain significance (1); Benign (1). Last evaluated 2023-05-11.

Conditions:
Hereditary cancer-predisposing syndrome. Also called: Neoplastic Syndromes, Hereditary; Tumor predisposition; Hereditary neoplastic syndrome; Hereditary Cancer Syndrome. Identifiers: Orphanet 140162, MedGen C0027672, MeSH D009386, MONDO:0015356.
Gorlin syndrome. Also called: Nevoid Basal Cell Carcinoma Syndrome; Basal cell nevus syndrome. Identifiers: Orphanet 377, MedGen C0004779, MONDO:0007187.

gnomAD v4.1: 2 of 1,528,772 alleles (0.00013%); highest among the groups gnomAD compares: Admixed American, 0.004%; no homozygotes.

Submissions (2):

Labcorp Genetics (formerly Invitae), Labcorp
Classification: Benign for Gorlin syndrome. Last evaluated: 2023-05-11. Review status: criteria provided, single submitter. Criteria: Invitae Variant Classification Sherloc (09022015). Collection method: clinical testing. Allele origin: germline.

Ambry Genetics
Classification: Uncertain significance for Hereditary cancer-predisposing syndrome. Last evaluated: 2021-04-11. Review status: criteria provided, single submitter. Criteria: Ambry Variant Classification Scheme 2023. Collection method: clinical testing. Allele origin: germline.
Comment: The p.P24T variant (also known as c.70C>A), located in coding exon 1 of the PTCH1 gene, results from a C to A substitution at nucleotide position 70. The proline at codon 24 is replaced by threonine, an amino acid with highly similar properties. This amino acid position is not well conserved in available vertebrate species. In addition, this alteration is predicted to be tolerated by in silico analysis. Since supporting evidence is limited at this time, the clinical significance of this alteration remains unclear.

NM_000264.5(PTCH1):c.70C>A (p.Pro24Thr)

Genes: PTCH1 (patched 1; minus strand), LOC130002133 (ATAC-STARR-seq lymphoblastoid silent region 20071; plus strand). Cytogenetic location: 9q22.32.
Variant type: single nucleotide variant.
Coding change: c.70C>A on transcript NM_000264.5 (MANE Select); coding-DNA position 70, C replaced by A.
Protein change: p.Pro24Thr; replaces proline 24 with threonine.
Molecular consequence: missense variant. On other transcripts: non-coding transcript variant (1), intron variant (3).
Genome position (GRCh38, 1-based): chr9:95,508,292, G>T on the plus strand (C>A on the coding strand, the complement: PTCH1 is on the minus strand). VCF-style: chr9-95508292-G-T. GRCh37 (hg19) VCF-style: chr9-98270574-G-T.
Other names: c.70C>A, p.Pro24Thr (NM_001354918.2); c.199-1693C>A (NM_001083603.3); c.4-1693C>A (NM_001083602.3, NM_001354919.2); short protein forms P24T.
Identifiers: ClinVar variation 1757158 (VCV001757158.5), dbSNP rs1338078012, ClinGen allele CA374121480.
Genomic context (GRCh38, chr9:95,508,292, plus strand): 5'-CGGCAGCACGGCGCAGCCCCCCCGTCCGTCTGCGCCTCCCGCCTCCAGCCGGCCGTCCCG[G>T]GGCACCGATACAGCCGCTGCCGCCGCCGCCGCGGTCCTGGGGCTCGGCGGCGTTACCAGC-3'
Protein context (NP_000255.2, residues 14-34): GGGGSGCIGA[Pro24Thr]GRPAGGGRRR